The following is an entry in ClinVar:

ClinVar aggregate classification (germline): Conflicting classifications of pathogenicity. Review status: criteria provided, conflicting classifications (1 of 4 stars). 2 submissions from 2 submitters: Uncertain significance (1); Benign (1). Last evaluated 2023-10-22.

Allele frequency attached by ClinVar (database versions not stated): gnomAD 0.00003 and below 0.00001; 1000 Genomes Project 30x 0.00016; 1000 Genomes Project 0.00020; gnomAD exomes 0.00023; ExAC 0.00028; TOPMed 0.00001.
gnomAD v4.1: 174 of 1,608,426 alleles (0.011%); highest among the groups gnomAD compares: South Asian, 0.18%; 3 homozygotes.

Submissions (2):

Labcorp Genetics (formerly Invitae), Labcorp
Classification: Benign. Last evaluated: 2023-10-22. Review status: criteria provided, single submitter. Criteria: Invitae Variant Classification Sherloc (09022015). Collection method: clinical testing. Allele origin: germline.

Laboratory for Molecular Medicine, Mass General Brigham Personalized Medicine
Classification: Uncertain significance. Last evaluated: 2015-05-28. Review status: criteria provided, single submitter. Criteria: LMM Criteria. Collection method: clinical testing. Allele origin: germline. Observed: 1 variant allele.
Comment: Variant classified as Uncertain Significance - Favor Benign. The p.Ala1568Gly va riant in TRIOBP has not been previously reported in individuals with hearing los s, but has been identified in 0.2% (32/16342) of South Asian chromosomes by the Exome Aggregation Consortium (ExAC; dbSNP rs5699 14227). Alanine (Ala) at position 1568 is not conserved in mammals or evolutiona rily distant species and at least 1 mammal (elephant) carries a glycine (Gly), s upporting that this change may be tolerated. Additional computational prediction tools do not provide strong support for or against an impact to the protein. In summary, while the clinical significance of the p.Ala1568Gly variant is uncerta in, its frequency in the general population and lack of conservation suggest tha t it is more likely to be benign.

NM_001039141.3(TRIOBP):c.4703C>G (p.Ala1568Gly)

Gene: TRIOBP (TRIO and F-actin binding protein; plus strand). Cytogenetic location: 22q13.1.
Variant type: single nucleotide variant.
Coding change: c.4703C>G on transcript NM_001039141.3 (MANE Select); coding-DNA position 4703, C replaced by G.
Protein change: p.Ala1568Gly; replaces alanine 1568 with glycine.
Molecular consequence: missense variant.
Genome position (GRCh38, 1-based): chr22:37,735,039, C>G. VCF-style: chr22-37735039-C-G. GRCh37 (hg19) VCF-style: chr22-38131046-C-G.
Other names: short protein forms A1568G.
Identifiers: ClinVar variation 229356 (VCV000229356.15), dbSNP rs569914227, ClinGen allele CA10224435.